The following is an entry in ClinVar:

ClinVar aggregate classification (germline): Uncertain significance (1 of 4 stars; one submission).

Conditions:
MAP3K1-related disorder. Also called: MAP3K1-related condition.

gnomAD v4.1: 3 of 1,422,842 alleles (0.00021%); highest among the groups gnomAD compares: Middle Eastern, 0.024%; no homozygotes.

Submission:

PreventionGenetics, part of Exact Sciences
Classification: Uncertain significance for MAP3K1-related condition. Last evaluated: 2026-02-02. Review status: criteria provided, single submitter. Criteria: ACMG Guidelines, 2015. Collection method: clinical testing. Allele origin: germline.
Comment: The MAP3K1 c.238C>T variant is predicted to result in the amino acid substitution p.Leu80Phe. To our knowledge, this variant has not been reported in the literature or in a large population database (gnomAD), indicating this variant is rare. At this time, the clinical significance of this variant is uncertain due to the absence of conclusive functional and genetic evidence.

NM_005921.2(MAP3K1):c.238C>T (p.Leu80Phe)

Genes: MAP3K1 (mitogen-activated protein kinase kinase kinase 1; plus strand), LOC129993918 (ATAC-STARR-seq lymphoblastoid silent region 16021; plus strand). Cytogenetic location: 5q11.2.
Variant type: single nucleotide variant.
Coding change: c.238C>T on transcript NM_005921.2 (MANE Select); coding-DNA position 238, C replaced by T.
Protein change: p.Leu80Phe; replaces leucine 80 with phenylalanine.
Molecular consequence: missense variant.
Genome position (GRCh38, 1-based): chr5:56,815,811, C>T. VCF-style: chr5-56815811-C-T. GRCh37 (hg19) VCF-style: chr5-56111638-C-T.
Other names: short protein forms L80F.
Identifiers: ClinVar variation 4988499 (VCV004988499.1).